The following is an entry in ClinVar:

ClinVar aggregate classification (germline): Uncertain significance. Review status: criteria provided, multiple submitters, no conflicts (2 of 4 stars). 2 submissions from 2 submitters: Uncertain significance (2). Last evaluated 2026-01-31.

Conditions:
Hereditary cancer-predisposing syndrome. Also called: Hereditary neoplastic syndrome; Tumor predisposition; Neoplastic Syndromes, Hereditary; Hereditary Cancer Syndrome. Identifiers: Orphanet 140162, MedGen C0027672, MeSH D009386, MONDO:0015356.
Rhabdoid tumor predisposition syndrome 2 (RTPS2). Identifiers: Orphanet 231108, Orphanet 69077, MedGen C2750074, MONDO:0013224, OMIM 613325.

Allele frequency attached by ClinVar (database versions not stated): gnomAD exomes below 0.00001.
gnomAD v4.1: 3 of 1,612,976 alleles (0.00019%); highest among the groups gnomAD compares: South Asian, 0.0011%; no homozygotes.

Submissions (2):

Labcorp Genetics (formerly Invitae), Labcorp
Classification: Uncertain significance for Rhabdoid tumor predisposition syndrome 2. Last evaluated: 2026-01-31. Review status: criteria provided, single submitter. Criteria: Invitae Variant Classification Sherloc (09022015). Collection method: clinical testing. Allele origin: germline.
Comment: This sequence change replaces arginine, which is basic and polar, with cysteine, which is neutral and slightly polar, at codon 1534 of the SMARCA4 protein (p.Arg1534Cys). This variant is present in population databases (no rsID available, gnomAD 0.005%). This variant has not been reported in the literature in individuals affected with SMARCA4-related conditions. ClinVar contains an entry for this variant (Variation ID: 572014). Invitae Evidence Modeling of protein sequence and biophysical properties (such as structural, functional, and spatial information, amino acid conservation, physicochemical variation, residue mobility, and thermodynamic stability) indicates that this missense variant is not expected to disrupt SMARCA4 protein function with a negative predictive value of 80%. In summary, the available evidence is currently insufficient to determine the role of this variant in disease. Therefore, it has been classified as a Variant of Uncertain Significance.

Ambry Genetics
Classification: Uncertain significance for Hereditary cancer-predisposing syndrome. Last evaluated: 2024-05-20. Review status: criteria provided, single submitter. Criteria: Ambry Variant Classification Scheme 2023. Collection method: clinical testing. Allele origin: germline.
Comment: The p.R1534C variant (also known as c.4600C>T), located in coding exon 31 of the SMARCA4 gene, results from a C to T substitution at nucleotide position 4600. The arginine at codon 1534 is replaced by cysteine, an amino acid with highly dissimilar properties. This amino acid position is highly conserved in available vertebrate species. In addition, this alteration is predicted to be tolerated by in silico analysis. Missense and in-frame variants in SMARCA4 are known to cause neurodevelopmental disorders; however, such associations with rhabdoid tumor predisposition syndrome including small cell carcinoma of the ovary-hypercalcemic type (SCCOHT) are exceedingly rare (Kosho T et al. Am J Med Genet C Semin Med Genet. 2014 Sep;166C(3):262-75; Jelinic P et al. Nat Genet. 2014 May;46(5):424-6). Based on the supporting evidence, the association of this alteration with Coffin-Siris syndrome is unknown; however, the association of this alteration with rhabdoid tumor predisposition syndrome is unlikely.

NM_003072.5(SMARCA4):c.4504C>T (p.Arg1502Cys)

Gene: SMARCA4 (SWI/SNF related BAF chromatin remodeling complex subunit ATPase 4; plus strand). Cytogenetic location: 19p13.2.
Variant type: single nucleotide variant.
Coding change: c.4504C>T on transcript NM_003072.5 (MANE Select); coding-DNA position 4504, C replaced by T.
Protein change: p.Arg1502Cys; replaces arginine 1502 with cysteine.
Molecular consequence: missense variant. On other transcripts: non-coding transcript variant (1).
Genome position (GRCh38, 1-based): chr19:11,058,334, C>T. VCF-style: chr19-11058334-C-T. GRCh37 (hg19) VCF-style: chr19-11169010-C-T.
Other names: c.4504C>T, p.Arg1502Cys (NM_001128844.3); c.4414C>T, p.Arg1472Cys (NM_001128845.2); c.4411C>T, p.Arg1471Cys (NM_001128846.2); c.4405C>T, p.Arg1469Cys (NM_001128847.4, NM_001374457.1); c.4402C>T, p.Arg1468Cys (NM_001128848.2); c.4600C>T, p.Arg1534Cys (NM_001128849.3, NM_001387283.1); short protein forms R1534C, R1468C, R1471C, R1502C, R1472C, R1469C.
Identifiers: ClinVar variation 572014 (VCV000572014.11), dbSNP rs1181505860, ClinGen allele CA404077802.